The following is an entry in ClinVar:

ClinVar aggregate classification (germline): Uncertain significance. Review status: criteria provided, multiple submitters, no conflicts (2 of 4 stars). 3 submissions from 3 submitters: Uncertain significance (3). Last evaluated 2025-06-18.

Conditions:
Arrhythmogenic right ventricular cardiomyopathy (ARVD). Also called: Arrhythmogenic cardiomyopathy; Arrhythmogenic Right Ventricular Cardiomyopathy (ARVC); Cardiomyopathy, ARVC; Arrhythmogenic right ventricular dysplasia. Identifiers: Orphanet 247, MedGen C0349788, MeSH D019571, MONDO:0016587. Disease mechanism: loss of function. Inheritance: Various modes of inheritance.
Arrhythmogenic right ventricular dysplasia 9 (ARVD9). Also called: ARRHYTHMOGENIC RIGHT VENTRICULAR DYSPLASIA, FAMILIAL, 9; Arrhythmogenic Right Ventricular Dysplasia/Cardiomyopathy 9. Identifiers: MedGen C1836906, MONDO:0012180, OMIM 609040.

Allele frequency attached by ClinVar (database versions not stated): ExAC 0.00002.

Submissions (3):

Labcorp Genetics (formerly Invitae), Labcorp
Classification: Uncertain significance for Arrhythmogenic right ventricular dysplasia 9. Last evaluated: 2025-06-18. Review status: criteria provided, single submitter. Criteria: Invitae Variant Classification Sherloc (09022015). Collection method: clinical testing. Allele origin: germline.
Comment: This sequence change replaces glutamine, which is neutral and polar, with arginine, which is basic and polar, at codon 487 of the PKP2 protein (p.Gln487Arg). The frequency data for this variant in the population databases is considered unreliable, as metrics indicate poor data quality at this position in the gnomAD database. This missense change has been observed in individual(s) with sudden cardiac death (PMID: 35087879, 37937776). ClinVar contains an entry for this variant (Variation ID: 308509). An algorithm developed to predict the effect of missense changes on protein structure and function outputs the following: PolyPhen-2: "Benign". The arginine amino acid residue is found in multiple mammalian species, which suggests that this missense change does not adversely affect protein function. In summary, the available evidence is currently insufficient to determine the role of this variant in disease. Therefore, it has been classified as a Variant of Uncertain Significance.

All of Us Research Program, National Institutes of Health
Classification: Uncertain significance for Arrhythmogenic right ventricular cardiomyopathy. Last evaluated: 2024-08-23. Review status: criteria provided, single submitter. Criteria: ACMG Guidelines, 2015. Collection method: clinical testing. Allele origin: germline. Inheritance: Autosomal dominant inheritance. Observed: 6 variant alleles, 6 heterozygotes.
Comment: This missense variant replaces glutamine with arginine at codon 487 of the PKP2 protein. Computational prediction suggests that this variant may not impact protein structure and function (internally defined REVEL score threshold <= 0.5, PMID: 27666373). To our knowledge, functional studies have not been reported for this variant. This variant has not been reported in individuals affected with PKP2-related disorders in the literature. This variant has not been identified in the general population by the Genome Aggregation Database (gnomAD). The available evidence is insufficient to determine the role of this variant in disease conclusively. Therefore, this variant is classified as a Variant of Uncertain Significance.

This study involves interpretation of variants in research participants for the purpose of population health screening. Participant phenotype was not available at the time of variant classification. Additional details can be found in publication PMID: 35346344, PMCID: PMC8962531

Breakthrough Genomics
Classification: Uncertain significance. Review status: criteria provided, single submitter. Criteria: ACMG Guidelines, 2015. Collection method: not provided. Allele origin: germline. Inheritance: Autosomal dominant inheritance. Affected: yes.

Literature cited by the submitters: PubMed 35087879 (cited by Labcorp Genetics (formerly Invitae), Labcorp); PubMed 37937776 (cited by Labcorp Genetics (formerly Invitae), Labcorp).

NM_001005242.3(PKP2):c.1379-2027A>G

Gene: PKP2 (plakophilin 2; minus strand). Cytogenetic location: 12p11.21.
Variant type: single nucleotide variant.
Coding change: c.1379-2027A>G on transcript NM_001005242.3 (MANE Select); 2027 bases into the intron before coding-DNA position 1379, A replaced by G.
Molecular consequence: intron variant. On other transcripts: missense variant (1).
Genome position (GRCh38, 1-based): chr12:32,843,232, T>C on the plus strand (A>G on the coding strand, the complement: PKP2 is on the minus strand). VCF-style: chr12-32843232-T-C. GRCh37 (hg19) VCF-style: chr12-32996166-T-C.
Other names: c.1460A>G, p.Gln487Arg (NM_004572.4); short protein forms Q487R.
Identifiers: ClinVar variation 308509 (VCV000308509.13), dbSNP rs778247181, ClinGen allele CA028419.